The following is an entry in ClinVar:

ClinVar aggregate classification (germline): Uncertain significance (1 of 4 stars; one submission).

Submission:

Labcorp Genetics (formerly Invitae), Labcorp
Classification: Uncertain significance. Last evaluated: 2021-11-15. Review status: criteria provided, single submitter. Criteria: Invitae Variant Classification Sherloc (09022015). Collection method: clinical testing. Allele origin: germline.
Comment: This sequence change replaces histidine, which is basic and polar, with tyrosine, which is neutral and polar, at codon 600 of the SI protein (p.His600Tyr). Information on the frequency of this variant in the gnomAD database is not available, as this variant may be reported differently in the database. This variant has not been reported in the literature in individuals affected with SI-related conditions. Experimental studies and prediction algorithms are not available or were not evaluated, and the functional significance of this variant is currently unknown. In summary, the available evidence is currently insufficient to determine the role of this variant in disease. Therefore, it has been classified as a Variant of Uncertain Significance.

NM_001041.4(SI):c.1797_1798delinsTT (p.His600Tyr)

Gene: SI (sucrase-isomaltase; minus strand). Cytogenetic location: 3q26.1.
Variant type: Indel.
Coding change: c.1797_1798delinsTT on transcript NM_001041.4 (MANE Select); coding-DNA positions 1797 to 1798, GC replaced by TT.
Protein change: p.His600Tyr; replaces histidine 600 with tyrosine.
Molecular consequence: missense variant.
Genome position (GRCh38, 1-based): chr3:165,046,930-165,046,931, GC replaced by AA on the plus strand (GC replaced by TT on the coding strand, the reverse complement: SI is on the minus strand). VCF-style: chr3-165046930-GC-AA. GRCh37 (hg19) VCF-style: chr3-164764718-GC-AA.
Other names: short protein forms H600Y.
Identifiers: ClinVar variation 1351792 (VCV001351792.6), dbSNP rs2108228402, ClinGen allele CA2573136717.